The following is an entry in ClinVar:

NM_000059.4(BRCA2):c.10176A>G (p.Lys3392=)

Gene: BRCA2 (BRCA2 DNA repair associated; plus strand). Cytogenetic location: 13q13.1.
Variant type: single nucleotide variant.
Coding change: c.10176A>G on transcript NM_000059.4 (MANE Select); coding-DNA position 10176, A replaced by G.
Protein change: p.Lys3392=; no amino-acid change (lysine 3392 retained).
Molecular consequence: synonymous variant.
Genome position (GRCh38, 1-based): chr13:32,398,689, A>G. VCF-style: chr13-32398689-A-G. GRCh37 (hg19) VCF-style: chr13-32972826-A-G.
Identifiers: ClinVar variation 231521 (VCV000231521.21), dbSNP rs876659206, ClinGen allele CA10579860.
Genomic context (GRCh38, chr13:32,398,689, plus strand): 5'-TCCCACCAGTTCAGAAGATTATCTCAGACTGAAACGACGTTGTACTACATCTCTGATCAA[A>G]GAACAGGAGAGTTCCCAGGCCAGTACGGAAGAATGTGAGAAAAATAAGCAGGACACAATT-3'
Protein context (NP_000050.3, residues 3382-3402): LKRRCTTSLI[Lys3392=]EQESSQASTE

ClinVar aggregate classification (germline): Likely benign. Review status: reviewed by expert panel (3 of 4 stars). 5 submissions from 5 submitters: Likely benign (1). 4 of the submissions do not count toward it. Last evaluated 2017-06-29.

Conditions:
Hereditary cancer-predisposing syndrome. Also called: Hereditary Cancer Syndrome; Neoplastic Syndromes, Hereditary; Tumor predisposition; Hereditary neoplastic syndrome. Identifiers: Orphanet 140162, MedGen C0027672, MeSH D009386, MONDO:0015356.
Breast-ovarian cancer, familial, susceptibility to, 2 (BROVCA2). Also called: BRCA2 Hereditary Breast and Ovarian Cancer. Identifiers: Orphanet 145, MedGen C2675520, MONDO:0012933, OMIM 612555. Disease mechanism: loss of function.
Hereditary breast ovarian cancer syndrome. Also called: Hereditary breast and/or ovarian cancer syndrome; BRCA1- and BRCA2-Associated Hereditary Breast and Ovarian Cancer; Hereditary breast and ovarian cancer syndrome (HBOC); Hereditary breast and ovarian cancer; Hereditary breast and ovarian cancer syndrome; Breast and ovarian cancer. Identifiers: Orphanet 145, MedGen C0677776, MeSH D061325, MONDO:0003582. Disease mechanism: loss of function.

Allele frequency attached by ClinVar (database versions not stated): gnomAD exomes below 0.00001; TOPMed 0.00001.
gnomAD v4.1: 2 of 1,614,204 alleles (0.00012%); highest among the groups gnomAD compares: Non-Finnish European, 0.00017%; no homozygotes.

Submissions (5):

Evidence-based Network for the Interpretation of Germline Mutant Alleles (ENIGMA)
Classification: Likely benign for Breast-ovarian cancer, familial, susceptibility to, 2. Last evaluated: 2017-06-29. Review status: reviewed by expert panel. Criteria: ENIGMA BRCA1/2 Classification Criteria (2017-06-29). Collection method: curation. Allele origin: germline.
Comment: Synonymous substitution variant, with low bioinformatic likelihood to result in a splicing aberration (Splicing prior probability 0.02).

Labcorp Genetics (formerly Invitae), Labcorp
Classification: Likely benign for Hereditary breast ovarian cancer syndrome. Last evaluated: 2025-10-22. Review status: criteria provided, single submitter. Criteria: Invitae Variant Classification Sherloc (09022015). Collection method: clinical testing. Allele origin: germline. Not counted in ClinVar's aggregate classification.

Institute for Biomarker Research, Medical Diagnostic Laboratories, L.L.C.
Classification: Likely benign for Hereditary breast ovarian cancer syndrome. Last evaluated: 2024-12-17. Review status: criteria provided, single submitter. Criteria: ACMG Guidelines, 2015. Collection method: clinical testing. Allele origin: germline. Not counted in ClinVar's aggregate classification.
Comment: The synonymous variant NM_000059.4(BRCA2):c.10176A>G (p.Lys3392=) has been reported to ClinVar as Likely benign with a status of (3 stars) reviewed by expert panel (Variation ID 231521 as of 2024-12-05). The p.Lys3392= variant is observed in 1/113,528 (0.0009%) alleles from individuals of gnomAD Non Finnish European background in gnomAD. The p.Lys3392= variant is not predicted to disrupt an existing splice site. The p.Lys3392= variant is predicted to introduce a novel splice site by 1 of 4 splice site algorithms. For these reasons, this variant has been classified as Likely Benign

Color Diagnostics, LLC DBA Color Health
Classification: Likely benign for Hereditary cancer-predisposing syndrome. Last evaluated: 2017-07-17. Review status: criteria provided, single submitter. Criteria: ACMG Guidelines, 2015. Collection method: clinical testing. Allele origin: germline. Not counted in ClinVar's aggregate classification.

Ambry Genetics
Classification: Likely benign for Hereditary cancer-predisposing syndrome. Last evaluated: 2015-04-30. Review status: criteria provided, single submitter. Criteria: Ambry Variant Classification Scheme 2023. Collection method: clinical testing. Allele origin: germline. Not counted in ClinVar's aggregate classification.